The following is an entry in ClinVar:

ClinVar aggregate classification (germline): Uncertain significance. Review status: criteria provided, multiple submitters, no conflicts (2 of 4 stars). 2 submissions from 2 submitters: Uncertain significance (2). Last evaluated 2023-05-17.

Conditions:
Inborn genetic diseases. Identifiers: MedGen C0950123, MeSH D030342.

Allele frequency attached by ClinVar (database versions not stated): TOPMed below 0.00001; ExAC 0.00001; gnomAD exomes 0.00002; ESP Exome Variant Server 0.00008.
gnomAD v4.1: 23 of 1,614,102 alleles (0.0014%); highest among the groups gnomAD compares: Non-Finnish European, 0.0019%; no homozygotes.

Submissions (2):

Athena Diagnostics
Classification: Uncertain significance. Last evaluated: 2023-05-17. Review status: criteria provided, single submitter. Criteria: Athena Diagnostics Criteria. Collection method: clinical testing. Allele origin: unknown.
Comment: Available data are insufficient to determine the clinical significance of the variant at this time. This variant has not been reported in large, multi-ethnic general populations. Computational tools predict that this variant is not damaging.

Ambry Genetics
Classification: Uncertain significance for Inborn genetic diseases. Last evaluated: 2022-01-26. Review status: criteria provided, single submitter. Criteria: Ambry Variant Classification Scheme 2023. Collection method: clinical testing. Allele origin: germline.

NM_015087.5(SPART):c.469G>A (p.Ala157Thr)

Gene: SPART (spartin; minus strand). Cytogenetic location: 13q13.3.
Variant type: single nucleotide variant.
Coding change: c.469G>A on transcript NM_015087.5 (MANE Select); coding-DNA position 469, G replaced by A.
Protein change: p.Ala157Thr; replaces alanine 157 with threonine.
Molecular consequence: missense variant.
Genome position (GRCh38, 1-based): chr13:36,335,362, C>T on the plus strand (G>A on the coding strand, the complement: SPART is on the minus strand). VCF-style: chr13-36335362-C-T. GRCh37 (hg19) VCF-style: chr13-36909499-C-T.
Other names: c.469G>A, p.Ala157Thr (NM_001142294.2, NM_001142295.2, NM_001142296.2); short protein forms A157T.
Identifiers: ClinVar variation 2684008 (VCV002684008.2), dbSNP rs376026705, ClinGen allele CA6949633.